The following is an entry in ClinVar:

ClinVar aggregate classification (germline): Likely benign. Review status: criteria provided, multiple submitters, no conflicts (2 of 4 stars). 2 submissions from 2 submitters: Likely benign (2). Last evaluated 2025-02-25.

Conditions:
Frontotemporal dementia and/or amyotrophic lateral sclerosis 4. Also called: FTDALS4. Identifiers: Orphanet 275872, MedGen C4225325, MONDO:0014641, OMIM 616439.

Allele frequency attached by ClinVar (database versions not stated): gnomAD exomes below 0.00001; ExAC 0.00001; gnomAD 0.00001; TOPMed 0.00003.
gnomAD v4.1: 5 of 1,596,942 alleles (0.00031%); highest among the groups gnomAD compares: Non-Finnish European, 0.00043%; no homozygotes.

Submissions (2):

Mayo Clinic Laboratories, Mayo Clinic
Classification: Likely benign. Last evaluated: 2025-02-25. Review status: criteria provided, single submitter. Criteria: ACMG Guidelines, 2015. Collection method: clinical testing. Allele origin: germline. Observed: 1 variant allele.
Comment: BP4, BP7

Labcorp Genetics (formerly Invitae), Labcorp
Classification: Likely benign for Frontotemporal dementia and/or amyotrophic lateral sclerosis 4. Last evaluated: 2021-10-28. Review status: criteria provided, single submitter. Criteria: Invitae Variant Classification Sherloc (09022015). Collection method: clinical testing. Allele origin: germline.

NM_013254.4(TBK1):c.2043C>T (p.Asn681=)

Gene: TBK1 (TANK binding kinase 1; plus strand). Cytogenetic location: 12q14.2.
Variant type: single nucleotide variant.
Coding change: c.2043C>T on transcript NM_013254.4 (MANE Select); coding-DNA position 2043, C replaced by T.
Protein change: p.Asn681=; no amino-acid change (asparagine 681 retained).
Molecular consequence: synonymous variant.
Genome position (GRCh38, 1-based): chr12:64,497,731, C>T. VCF-style: chr12-64497731-C-T. GRCh37 (hg19) VCF-style: chr12-64891511-C-T.
Other names: p.Asn681=.
Identifiers: ClinVar variation 1587537 (VCV001587537.9), dbSNP rs759638468, ClinGen allele CA6669245.